The following is an entry in ClinVar:

ClinVar aggregate classification (germline): Likely benign (0 of 4 stars; one submission).

Conditions:
CPE-related disorder. Also called: CPE-related condition.

gnomAD v4.1: 16 of 1,584,670 alleles (0.001%); highest among the groups gnomAD compares: Admixed American, 0.027%; no homozygotes.

Submission:

PreventionGenetics, part of Exact Sciences
Classification: Likely benign for CPE-related condition. Last evaluated: 2020-04-13. Review status: no assertion criteria provided. Collection method: clinical testing. Allele origin: germline.
Comment: This variant is classified as likely benign based on ACMG/AMP sequence variant interpretation guidelines (Richards et al. 2015 PMID: 25741868, with internal and published modifications).

NM_001873.4(CPE):c.1377G>A (p.Glu459=)

Gene: CPE (carboxypeptidase E; plus strand). Cytogenetic location: 4q32.3.
Variant type: single nucleotide variant.
Coding change: c.1377G>A on transcript NM_001873.4 (MANE Select); coding-DNA position 1377, G replaced by A.
Protein change: p.Glu459=; no amino-acid change (glutamic acid 459 retained).
Molecular consequence: synonymous variant.
Genome position (GRCh38, 1-based): chr4:165,497,556, G>A. VCF-style: chr4-165497556-G-A. GRCh37 (hg19) VCF-style: chr4-166418708-G-A.
Identifiers: ClinVar variation 3350521 (VCV003350521.1).
Genomic context (GRCh38, chr4:165,497,556, plus strand): 5'-TGATTTTCTCTTTTAGGTTGATTTTGAACTGGAGTCATTTTCTGAAAGGAAAGAAGAGGA[G>A]AAGGAAGAATTGATGGAATGGTGGAAAATGATGTCAGAAACTTTAAATTTTTAAAAAGGC-3'
Protein context (NP_001864.1, residues 449-469): LESFSERKEE[Glu459=]KEELMEWWKM